The following is an entry in ClinVar:

NM_004448.4(ERBB2):c.1547C>T (p.Ala516Val)

Gene: ERBB2 (erb-b2 receptor tyrosine kinase 2; plus strand). Cytogenetic location: 17q12.
Variant type: single nucleotide variant.
Coding change: c.1547C>T on transcript NM_004448.4 (MANE Select); coding-DNA position 1547, C replaced by T.
Protein change: p.Ala516Val; replaces alanine 516 with valine.
Molecular consequence: missense variant. On other transcripts: non-coding transcript variant (1), intron variant (1).
Genome position (GRCh38, 1-based): chr17:39,716,334, C>T. VCF-style: chr17-39716334-C-T. GRCh37 (hg19) VCF-style: chr17-37872587-C-T.
Other names: c.1664C>T, p.Ala555Val (NM_001382784.1, NM_001382786.1); c.1547C>T, p.Ala516Val (NM_001382785.1, NM_001382790.1, NM_001382792.1 and 11 more transcripts); c.1622C>T, p.Ala541Val (NM_001382787.1); c.1577C>T, p.Ala526Val (NM_001382788.1); c.1568C>T, p.Ala523Val (NM_001382789.1); c.1538C>T, p.Ala513Val (NM_001382791.1); c.1457C>T, p.Ala486Val (NM_001005862.3, NM_001289938.2, NM_001382782.1 and 1 more transcripts); c.1502C>T, p.Ala501Val (NM_001289936.2); and 4 more; short protein forms A501V, A541V, A430V, A456V, A513V, A516V, A240V, A486V.
Identifiers: ClinVar variation 2885715 (VCV002885715.3), dbSNP rs2145675597, ClinGen allele CA399292407.

ClinVar aggregate classification (germline): Uncertain significance (1 of 4 stars; one submission).

Allele frequency attached by ClinVar (database versions not stated): gnomAD exomes below 0.00001.
gnomAD v4.1: 2 of 1,604,476 alleles (0.00012%); highest among the groups gnomAD compares: Non-Finnish European, 0.00017%; no homozygotes.

Submission:

Labcorp Genetics (formerly Invitae), Labcorp
Classification: Uncertain significance. Last evaluated: 2024-01-02. Review status: criteria provided, single submitter. Criteria: Invitae Variant Classification Sherloc (09022015). Collection method: clinical testing. Allele origin: germline.
Comment: This sequence change replaces alanine, which is neutral and non-polar, with valine, which is neutral and non-polar, at codon 516 of the ERBB2 protein (p.Ala516Val). This variant is not present in population databases (gnomAD no frequency). This variant has not been reported in the literature in individuals affected with ERBB2-related conditions. Advanced modeling of protein sequence and biophysical properties (such as structural, functional, and spatial information, amino acid conservation, physicochemical variation, residue mobility, and thermodynamic stability) performed at Invitae indicates that this missense variant is expected to disrupt ERBB2 protein function with a positive predictive value of 80%. In summary, the available evidence is currently insufficient to determine the role of this variant in disease. Therefore, it has been classified as a Variant of Uncertain Significance.